The following is an entry in ClinVar:

ClinVar aggregate classification (germline): Uncertain significance (1 of 4 stars; one submission).

Conditions:
Haddad syndrome (OHD). Also called: Ondine-Hirschsprung disease. Identifiers: Orphanet 99803, MedGen C1859049, MONDO:0020493.

Submission:

Labcorp Genetics (formerly Invitae), Labcorp
Classification: Uncertain significance for Haddad syndrome. Last evaluated: 2022-07-19. Review status: criteria provided, single submitter. Criteria: Invitae Variant Classification Sherloc (09022015). Collection method: clinical testing. Allele origin: germline.
Comment: In summary, the available evidence is currently insufficient to determine the role of this variant in disease. Therefore, it has been classified as a Variant of Uncertain Significance. Algorithms developed to predict the effect of missense changes on protein structure and function output the following: SIFT: "Tolerated"; PolyPhen-2: "Not Available"; Align-GVGD: "Class C0". The proline amino acid residue is found in multiple mammalian species, which suggests that this missense change does not adversely affect protein function. ClinVar contains an entry for this variant (Variation ID: 467735). This variant has not been reported in the literature in individuals affected with PHOX2B-related conditions. This variant is not present in population databases (gnomAD no frequency). This sequence change replaces alanine, which is neutral and non-polar, with proline, which is neutral and non-polar, at codon 226 of the PHOX2B protein (p.Ala226Pro).

NM_003924.4(PHOX2B):c.676G>C (p.Ala226Pro)

Gene: PHOX2B (paired like homeobox 2B; minus strand). Cytogenetic location: 4p13.
Variant type: single nucleotide variant.
Coding change: c.676G>C on transcript NM_003924.4 (MANE Select); coding-DNA position 676, G replaced by C.
Protein change: p.Ala226Pro; replaces alanine 226 with proline.
Molecular consequence: missense variant.
Genome position (GRCh38, 1-based): chr4:41,746,076, C>G on the plus strand (G>C on the coding strand, the complement: PHOX2B is on the minus strand). VCF-style: chr4-41746076-C-G. GRCh37 (hg19) VCF-style: chr4-41748093-C-G.
Other names: short protein forms A226P.
Identifiers: ClinVar variation 467735 (VCV000467735.10), dbSNP rs936469212, ClinGen allele CA356737427.
Genomic context (GRCh38, chr4:41,746,076, plus strand): 5'-CCGCCGCTGCTGCTGCGCCGCCCTTGCCGGGTTCGCCTCCCGGGCCCCCGGGCCCCGCCG[C>G]CCCCGGAGCTCCAGCCGGGCTGGGCCCGCCGCCGCCGCCTCCATTCGCCCCGCAGCTGGG-3'
Protein context (NP_003915.2, residues 216-236): GGPSPAGAPG[Ala226Pro]AGPGGPGGEP